The following is an entry in ClinVar:

ClinVar aggregate classification (germline): Uncertain significance. Review status: criteria provided, multiple submitters, no conflicts (2 of 4 stars). 2 submissions from 2 submitters: Uncertain significance (2). Last evaluated 2023-08-27.

Conditions:
Familial sleep-related hypermotor epilepsy. Also called: Autosomal Dominant Sleep-Related Hypermotor (Hyperkinetic) Epilepsy. Identifiers: Orphanet 98784, MedGen C3696898, MONDO:0000030.

Allele frequency attached by ClinVar (database versions not stated): TOPMed below 0.00001; gnomAD 0.00001.
gnomAD v4.1: 1 of 1,613,926 alleles (0.000062%); highest among the groups gnomAD compares: African/African-American, 0.0013%; no homozygotes.

Submissions (2):

Labcorp Genetics (formerly Invitae), Labcorp
Classification: Uncertain significance. Last evaluated: 2023-08-27. Review status: criteria provided, single submitter. Criteria: Invitae Variant Classification Sherloc (09022015). Collection method: clinical testing. Allele origin: germline.
Comment: In summary, the available evidence is currently insufficient to determine the role of this variant in disease. Therefore, it has been classified as a Variant of Uncertain Significance. This variant disrupts the p.Ile279Asn amino acid residue in CHRNA2. Other variant(s) that disrupt this residue have been determined to be pathogenic (PMID: 16826524). This suggests that this residue is clinically significant, and that variants that disrupt this residue are likely to be disease-causing. Advanced modeling of protein sequence and biophysical properties (such as structural, functional, and spatial information, amino acid conservation, physicochemical variation, residue mobility, and thermodynamic stability) performed at Invitae indicates that this missense variant is expected to disrupt CHRNA2 protein function. ClinVar contains an entry for this variant (Variation ID: 1209215). This variant has not been reported in the literature in individuals affected with CHRNA2-related conditions. This variant is not present in population databases (gnomAD no frequency). This sequence change replaces isoleucine, which is neutral and non-polar, with valine, which is neutral and non-polar, at codon 279 of the CHRNA2 protein (p.Ile279Val).

GeneDx
Classification: Uncertain significance. Last evaluated: 2018-12-24. Review status: criteria provided, single submitter. Criteria: GeneDx Variant Classification Process June 2021. Collection method: clinical testing. Allele origin: germline. Affected: yes.
Comment: Has not been previously published as pathogenic or benign to our knowledge

Literature cited by the submitters: PubMed 16826524 (cited by Labcorp Genetics (formerly Invitae), Labcorp).

NM_000742.4(CHRNA2):c.835A>G (p.Ile279Val)

Gene: CHRNA2 (cholinergic receptor nicotinic alpha 2 subunit; minus strand). Cytogenetic location: 8p21.2.
Variant type: single nucleotide variant.
Coding change: c.835A>G on transcript NM_000742.4 (MANE Select); coding-DNA position 835, A replaced by G.
Protein change: p.Ile279Val; replaces isoleucine 279 with valine.
Molecular consequence: missense variant.
Genome position (GRCh38, 1-based): chr8:27,463,608, T>C on the plus strand (A>G on the coding strand, the complement: CHRNA2 is on the minus strand). VCF-style: chr8-27463608-T-C. GRCh37 (hg19) VCF-style: chr8-27321125-T-C.
Other names: c.790A>G, p.Ile264Val (NM_001282455.2); c.358A>G, p.Ile120Val (NM_001347705.2, NM_001347706.2); c.241A>G, p.Ile81Val (NM_001347707.2, NM_001347708.2); short protein forms I120V, I264V, I279V, I81V.
Identifiers: ClinVar variation 1209215 (VCV001209215.6), dbSNP rs1812595253, ClinGen allele CA370810546.